The following is an entry in ClinVar:

ClinVar aggregate classification (germline): Uncertain significance (0 of 4 stars; one submission).

Conditions:
SOX5-related disorder. Also called: SOX5-related condition.

Submission:

PreventionGenetics, part of Exact Sciences
Classification: Uncertain significance for SOX5-related condition. Last evaluated: 2024-04-16. Review status: no assertion criteria provided. Collection method: clinical testing. Allele origin: germline.
Comment: The SOX5 c.1417G>C variant is predicted to result in the amino acid substitution p.Glu473Gln. To our knowledge, this variant has not been reported in the literature or in a large population database, indicating this variant is rare. At this time, the clinical significance of this variant is uncertain due to the absence of conclusive functional and genetic evidence.

NM_006940.6(SOX5):c.1417G>C (p.Glu473Gln)

Gene: SOX5 (SRY-box transcription factor 5; minus strand). Cytogenetic location: 12p12.1.
Variant type: single nucleotide variant.
Coding change: c.1417G>C on transcript NM_006940.6 (MANE Select); coding-DNA position 1417, G replaced by C.
Protein change: p.Glu473Gln; replaces glutamic acid 473 with glutamine.
Molecular consequence: missense variant. On other transcripts: intron variant (1).
Genome position (GRCh38, 1-based): chr12:23,563,329, C>G on the plus strand (G>C on the coding strand, the complement: SOX5 is on the minus strand). VCF-style: chr12-23563329-C-G. GRCh37 (hg19) VCF-style: chr12-23716263-C-G.
Other names: c.1387G>C, p.Glu463Gln (NM_001261415.3); c.1312G>C, p.Glu438Gln (NM_001330785.2); c.1378G>C, p.Glu460Gln (NM_152989.5); c.259G>C, p.Glu87Gln (NM_178010.4); c.1126-16905G>C (NM_001261414.3); short protein forms E438Q, E460Q, E463Q, E473Q, E87Q.
Identifiers: ClinVar variation 3348473 (VCV003348473.1).